The following is an entry in ClinVar:

NM_014324.6(AMACR):c.264C>A (p.Leu88=)

Genes: AMACR (alpha-methylacyl-CoA racemase; minus strand), C1QTNF3-AMACR (C1QTNF3-AMACR readthrough (NMD candidate); minus strand). Cytogenetic location: 5p13.2.
Variant type: single nucleotide variant.
Coding change: c.264C>A on transcript NM_014324.6 (MANE Select); coding-DNA position 264, C replaced by A.
Protein change: p.Leu88=; no amino-acid change (leucine 88 retained).
Molecular consequence: synonymous variant. On other transcripts: non-coding transcript variant (1).
Genome position (GRCh38, 1-based): chr5:34,005,883, G>T on the plus strand (C>A on the coding strand, the complement: AMACR is on the minus strand). VCF-style: chr5-34005883-G-T. GRCh37 (hg19) VCF-style: chr5-34005988-G-T.
Other names: c.264C>A, p.Leu88= (NM_001167595.2, NM_203382.3).
Identifiers: ClinVar variation 3030711 (VCV003030711.4), dbSNP rs1753957978, ClinGen allele CA443872244.

ClinVar aggregate classification (germline): Likely benign. Review status: criteria provided, single submitter (1 of 4 stars). 2 submissions from 2 submitters: Likely benign (1). 1 of the submissions does not count toward it. Last evaluated 2025-06-12.

Conditions:
AMACR-related disorder. Also called: AMACR-Related Disorders; AMACR-related condition.
Alpha-methylacyl-CoA racemase deficiency (AMACRD). Also called: AMACR deficiency. Identifiers: Orphanet 79095, MedGen C3280428, MONDO:0013681, OMIM 614307. Disease mechanism: loss of function.

Allele frequency attached by ClinVar (database versions not stated): TOPMed 0.00001.
gnomAD v4.1: 1 of 1,614,148 alleles (0.000062%); highest among the groups gnomAD compares: Non-Finnish European, 0.000085%; no homozygotes.

Submissions (2):

Labcorp Genetics (formerly Invitae), Labcorp
Classification: Likely benign for Alpha-methylacyl-CoA racemase deficiency. Last evaluated: 2025-06-12. Review status: criteria provided, single submitter. Criteria: Invitae Variant Classification Sherloc (09022015). Collection method: clinical testing. Allele origin: germline.

PreventionGenetics, part of Exact Sciences
Classification: Likely benign for AMACR-related condition. Last evaluated: 2021-04-22. Review status: no assertion criteria provided. Collection method: clinical testing. Allele origin: germline. Not counted in ClinVar's aggregate classification.
Comment: This variant is classified as likely benign based on ACMG/AMP sequence variant interpretation guidelines (Richards et al. 2015 PMID: 25741868, with internal and published modifications).